The following is an entry in ClinVar:

NM_000051.4(ATM):c.2701C>T (p.Leu901Phe)

Gene: ATM (ATM serine/threonine kinase; plus strand). Cytogenetic location: 11q22.3.
Variant type: single nucleotide variant.
Coding change: c.2701C>T on transcript NM_000051.4 (MANE Select); coding-DNA position 2701, C replaced by T.
Protein change: p.Leu901Phe; replaces leucine 901 with phenylalanine.
Molecular consequence: missense variant.
Genome position (GRCh38, 1-based): chr11:108,268,472, C>T. VCF-style: chr11-108268472-C-T. GRCh37 (hg19) VCF-style: chr11-108139199-C-T.
Other names: c.2701C>T, p.Leu901Phe (NM_001351834.2); short protein forms L901F.
Identifiers: ClinVar variation 216197 (VCV000216197.11), dbSNP rs863224559, ClinGen allele CA336223.

ClinVar aggregate classification (germline): Uncertain significance. Review status: criteria provided, multiple submitters, no conflicts (2 of 4 stars). 2 submissions from 2 submitters: Uncertain significance (2). Last evaluated 2022-10-25.

Conditions:
Hereditary cancer-predisposing syndrome. Also called: Tumor predisposition; Hereditary Cancer Syndrome; Neoplastic Syndromes, Hereditary; Hereditary neoplastic syndrome. Identifiers: Orphanet 140162, MedGen C0027672, MeSH D009386, MONDO:0015356.
Ataxia-telangiectasia syndrome (AT). Also called: Cerebello-oculocutaneous telangiectasia; Immunodeficiency with ataxia telangiectasia; Ataxia telangiectasia (A-T); LOUIS-BAR SYNDROME; ATAXIA-TELANGIECTASIA, COMPLEMENTATION GROUP A; ATAXIA-TELANGIECTASIA, FRESNO VARIANT. Identifiers: Orphanet 100, MedGen C0004135, MONDO:0008840, OMIM 208900.

Submissions (2):

Ambry Genetics
Classification: Uncertain significance for Hereditary cancer-predisposing syndrome. Last evaluated: 2022-10-25. Review status: criteria provided, single submitter. Criteria: Ambry Variant Classification Scheme 2023. Collection method: clinical testing. Allele origin: germline.
Comment: The p.L901F variant (also known as c.2701C>T), located in coding exon 17 of the ATM gene, results from a C to T substitution at nucleotide position 2701. The leucine at codon 901 is replaced by phenylalanine, an amino acid with highly similar properties. This amino acid position is well conserved in available vertebrate species. In addition, this alteration is predicted to be tolerated by in silico analysis. Since supporting evidence is limited at this time, the clinical significance of this alteration remains unclear.

Labcorp Genetics (formerly Invitae), Labcorp
Classification: Uncertain significance for Ataxia-telangiectasia syndrome. Last evaluated: 2022-01-27. Review status: criteria provided, single submitter. Criteria: Invitae Variant Classification Sherloc (09022015). Collection method: clinical testing. Allele origin: germline.
Comment: In summary, the available evidence is currently insufficient to determine the role of this variant in disease. Therefore, it has been classified as a Variant of Uncertain Significance. Advanced modeling of protein sequence and biophysical properties (such as structural, functional, and spatial information, amino acid conservation, physicochemical variation, residue mobility, and thermodynamic stability) performed at Invitae indicates that this missense variant is not expected to disrupt ATM protein function. ClinVar contains an entry for this variant (Variation ID: 216197). This variant has not been reported in the literature in individuals affected with ATM-related conditions. This variant is not present in population databases (gnomAD no frequency). This sequence change replaces leucine, which is neutral and non-polar, with phenylalanine, which is neutral and non-polar, at codon 901 of the ATM protein (p.Leu901Phe).